The following is an entry in ClinVar:

ClinVar aggregate classification (germline): Pathogenic (1 of 4 stars; one submission).

Submission:

Mayo Clinic Laboratories, Mayo Clinic
Classification: Pathogenic. Last evaluated: 2020-05-01. Review status: criteria provided, single submitter. Criteria: ACMG Guidelines, 2015. Collection method: clinical testing. Allele origin: germline. Observed: 1 variant allele.
Comment: PVS1, PM2, PP4

NM_000053.4(ATP7B):c.3083_3085delinsC (p.Lys1028fs)

Gene: ATP7B (ATPase copper transporting beta; minus strand). Cytogenetic location: 13q14.3.
Variant type: Indel.
Coding change: c.3083_3085delinsC on transcript NM_000053.4 (MANE Select); coding-DNA positions 3083 to 3085, AGA replaced by C.
Protein change: p.Lys1028fs; shifts the reading frame from lysine 1028.
Molecular consequence: frameshift variant.
Genome position (GRCh38, 1-based): chr13:51,944,267-51,944,269, TCT replaced by G on the plus strand (AGA replaced by C on the coding strand, the reverse complement: ATP7B is on the minus strand). VCF-style: chr13-51944267-TCT-G. GRCh37 (hg19) VCF-style: chr13-52518403-TCT-G.
Other names: c.2462_2464delinsC, p.Lys821fs (NM_001005918.3); c.2750_2752delinsC, p.Lys917fs (NM_001243182.2); c.2849_2851delinsC, p.Lys950fs (NM_001330578.2); c.2831_2833delinsC, p.Lys944fs (NM_001330579.2); short protein forms K1028fs, K821fs, K917fs, K944fs, K950fs.
Identifiers: ClinVar variation 1163545 (VCV001163545.5), dbSNP rs1331370011, ClinGen allele CA2499222492.